The following is an entry in ClinVar:

ClinVar aggregate classification (germline): Uncertain significance (1 of 4 stars; one submission).

gnomAD v4.1: 2 of 1,612,082 alleles (0.00012%); highest among the groups gnomAD compares: African/African-American, 0.0027%; no homozygotes.

Submission:

Labcorp Genetics (formerly Invitae), Labcorp
Classification: Uncertain significance. Last evaluated: 2024-09-03. Review status: criteria provided, single submitter. Criteria: Invitae Variant Classification Sherloc (09022015). Collection method: clinical testing. Allele origin: germline.
Comment: This sequence change replaces alanine, which is neutral and non-polar, with threonine, which is neutral and polar, at codon 730 of the NEFH protein (p.Ala730Thr). This variant is present in population databases (no rsID available, gnomAD 0.01%). This variant has not been reported in the literature in individuals affected with NEFH-related conditions. Invitae Evidence Modeling of protein sequence and biophysical properties (such as structural, functional, and spatial information, amino acid conservation, physicochemical variation, residue mobility, and thermodynamic stability) indicates that this missense variant is not expected to disrupt NEFH protein function with a negative predictive value of 95%. In summary, the available evidence is currently insufficient to determine the role of this variant in disease. Therefore, it has been classified as a Variant of Uncertain Significance.

NM_021076.4(NEFH):c.2188G>A (p.Ala730Thr)

Gene: NEFH (neurofilament heavy chain; plus strand). Cytogenetic location: 22q12.2.
Variant type: single nucleotide variant.
Coding change: c.2188G>A on transcript NM_021076.4 (MANE Select); coding-DNA position 2188, G replaced by A.
Protein change: p.Ala730Thr; replaces alanine 730 with threonine.
Molecular consequence: missense variant.
Genome position (GRCh38, 1-based): chr22:29,489,828, G>A. VCF-style: chr22-29489828-G-A. GRCh37 (hg19) VCF-style: chr22-29885817-G-A.
Other names: short protein forms A730T.
Identifiers: ClinVar variation 3637759 (VCV003637759.2).
Genomic context (GRCh38, chr22:29,489,828, plus strand): 5'-TCCCCAGTGAAGGAAGAAGCAAAGTCCCCTGAGAAGGCCAAGTCCCCAGTGAAGGAAGAA[G>A]CAAAGACCCCCGAGAAGGCCAAGTCCCCAGTGAAGGAAGAAGCTAAGTCCCCAGAGAAGG-3'
Protein context (NP_066554.2, residues 720-740): EKAKSPVKEE[Ala730Thr]KTPEKAKSPV